The following is an entry in ClinVar:

ClinVar aggregate classification (germline): Benign/Likely benign. Review status: criteria provided, multiple submitters, no conflicts (2 of 4 stars). 2 submissions from 2 submitters: Benign (1); Likely benign (1). Last evaluated 2026-06-01.

Allele frequency attached by ClinVar (database versions not stated): gnomAD 0.00002 and 0.00015; ESP Exome Variant Server 0.00008; TOPMed 0.00009; ExAC 0.00035; gnomAD exomes 0.00037.
gnomAD v4.1: 345 of 1,613,942 alleles (0.021%); highest among the groups gnomAD compares: South Asian, 0.32%; 2 homozygotes.

Submissions (2):

CeGaT Center for Human Genetics Tuebingen
Classification: Likely benign. Last evaluated: 2026-06-01. Review status: criteria provided, single submitter. Criteria: CeGaT Center For Human Genetics Tuebingen Variant Classification Criteria Version 2. Collection method: clinical testing. Allele origin: germline. Affected: yes. Observed: 1 variant allele.
Comment: ZNF407: BP4, BP7

Labcorp Genetics (formerly Invitae), Labcorp
Classification: Benign. Last evaluated: 2018-11-06. Review status: criteria provided, single submitter. Criteria: Invitae Variant Classification Sherloc (09022015). Collection method: clinical testing. Allele origin: germline.

NM_017757.3(ZNF407):c.1218C>T (p.His406=)

Gene: ZNF407 (zinc finger protein 407; plus strand). Cytogenetic location: 18q22.3.
Variant type: single nucleotide variant.
Coding change: c.1218C>T on transcript NM_017757.3 (MANE Select); coding-DNA position 1218, C replaced by T.
Protein change: p.His406=; no amino-acid change (histidine 406 retained).
Molecular consequence: synonymous variant.
Genome position (GRCh38, 1-based): chr18:74,632,237, C>T. VCF-style: chr18-74632237-C-T. GRCh37 (hg19) VCF-style: chr18-72344193-C-T.
Other names: c.1218C>T, p.His406= (NM_001146189.1, NM_001146190.1, NM_001384475.1).
Identifiers: ClinVar variation 794550 (VCV000794550.4), dbSNP rs370581948, ClinGen allele CA9000318.